The following is an entry in ClinVar:

NM_000059.4(BRCA2):c.3338A>T (p.Glu1113Val)

Gene: BRCA2 (BRCA2 DNA repair associated; plus strand). Cytogenetic location: 13q13.1.
Variant type: single nucleotide variant.
Coding change: c.3338A>T on transcript NM_000059.4 (MANE Select); coding-DNA position 3338, A replaced by T.
Protein change: p.Glu1113Val; replaces glutamic acid 1113 with valine.
Molecular consequence: missense variant.
Genome position (GRCh38, 1-based): chr13:32,337,693, A>T. VCF-style: chr13-32337693-A-T. GRCh37 (hg19) VCF-style: chr13-32911830-A-T.
Other names: short protein forms E1113V.
Identifiers: ClinVar variation 823628 (VCV000823628.6), dbSNP rs1593899249, ClinGen allele CA387776302.

ClinVar aggregate classification (germline): Conflicting classifications of pathogenicity. Review status: criteria provided, conflicting classifications (1 of 4 stars). 2 submissions from 2 submitters: Uncertain significance (1); Likely benign (1). Last evaluated 2023-03-23.

Conditions:
Hereditary cancer-predisposing syndrome. Also called: Neoplastic Syndromes, Hereditary; Tumor predisposition; Hereditary neoplastic syndrome; Hereditary Cancer Syndrome. Identifiers: Orphanet 140162, MedGen C0027672, MeSH D009386, MONDO:0015356.

Submissions (2):

University of Washington Department of Laboratory Medicine, University of Washington
Classification: Likely benign for Hereditary cancer-predisposing syndrome. Last evaluated: 2023-03-23. Review status: criteria provided, single submitter. Criteria: Dines et al. (Genet Med. 2020). Collection method: curation. Allele origin: germline.
Comment: Missense variant in a coldspot region where missense variants are very unlikely to be pathogenic (PMID:31911673).

BRCA2 exon 11 coldspot. Reclassification based on statistical prior probability.

Ambry Genetics
Classification: Uncertain significance for Hereditary cancer-predisposing syndrome. Last evaluated: 2019-08-26. Review status: criteria provided, single submitter. Criteria: Ambry Variant Classification Scheme 2023. Collection method: clinical testing. Allele origin: germline.
Comment: The p.E1113V variant (also known as c.3338A>T), located in coding exon 10 of the BRCA2 gene, results from an A to T substitution at nucleotide position 3338. The glutamic acid at codon 1113 is replaced by valine, an amino acid with dissimilar properties. This amino acid position is highly conserved in available vertebrate species. In addition, the in silico prediction for this alteration is inconclusive. Since supporting evidence is limited at this time, the clinical significance of this alteration remains unclear.